The following is an entry in ClinVar:

ClinVar aggregate classification (germline): Likely benign (1 of 4 stars; one submission).

Submission:

Women's Health and Genetics/Laboratory Corporation of America, LabCorp
Classification: Likely benign. Last evaluated: 2025-09-09. Review status: criteria provided, single submitter. Criteria: LabCorp Variant Classification Summary - May 2015. Collection method: clinical testing. Allele origin: germline.
Comment: Variant summary: TTN c.29686+19T>G alters a non-conserved nucleotide located at a position not widely known to affect splicing. Consensus agreement among computation tools predict no significant impact on normal splicing. However, these predictions have yet to be confirmed by functional studies. The variant was absent in 246632 control chromosomes. The available data on variant occurrences in the general population are insufficient to allow any conclusion about variant significance. To our knowledge, no occurrence of c.29686+19T>G in individuals affected with TTN-related conditions and no experimental evidence demonstrating its impact on protein function have been reported. No submitters have cited clinical-significance assessments for this variant to ClinVar. Based on the evidence outlined above, the variant was classified as likely benign.

NM_001267550.2(TTN):c.33418+19T>G

Gene: TTN (titin; minus strand). Cytogenetic location: 2q31.2.
Variant type: single nucleotide variant.
Coding change: c.33418+19T>G on transcript NM_001267550.2 (MANE Select); 19 bases into the intron after coding-DNA position 33418, T replaced by G.
Molecular consequence: intron variant.
Genome position (GRCh38, 1-based): chr2:178,680,235, A>C on the plus strand (T>G on the coding strand, the complement: TTN is on the minus strand). VCF-style: chr2-178680235-A-C. GRCh37 (hg19) VCF-style: chr2-179544962-A-C.
Other names: c.13283-37918T>G (NM_003319.4); c.13859-37918T>G (NM_133437.4); c.13658-37918T>G (NM_133432.3); c.29686+19T>G (NM_133378.4); c.32467+19T>G (NM_001256850.1).
Identifiers: ClinVar variation 4535646 (VCV004535646.1).